The following is an entry in ClinVar:

ClinVar aggregate classification (germline): Uncertain significance. Review status: criteria provided, multiple submitters, no conflicts (2 of 4 stars). 2 submissions from 2 submitters: Uncertain significance (2). Last evaluated 2025-09-08.

Allele frequency attached by ClinVar (database versions not stated): 1000 Genomes Project 30x 0.00047; 1000 Genomes Project 0.00060.
gnomAD v4.1: 193 of 1,612,852 alleles (0.012%); highest among the groups gnomAD compares: South Asian, 0.2%; 1 homozygote.

Submissions (2):

Labcorp Genetics (formerly Invitae), Labcorp
Classification: Uncertain significance. Last evaluated: 2025-09-08. Review status: criteria provided, single submitter. Criteria: Invitae Variant Classification Sherloc (09022015). Collection method: clinical testing. Allele origin: germline.
Comment: This sequence change replaces aspartic acid, which is acidic and polar, with asparagine, which is neutral and polar, at codon 318 of the TRAF3IP1 protein (p.Asp318Asn). This variant is present in population databases (rs201289716, gnomAD 0.2%). This variant has not been reported in the literature in individuals affected with TRAF3IP1-related conditions. ClinVar contains an entry for this variant (Variation ID: 960190). Invitae Evidence Modeling of protein sequence and biophysical properties (such as structural, functional, and spatial information, amino acid conservation, physicochemical variation, residue mobility, and thermodynamic stability) has been performed for this missense variant. However, the output from this modeling did not meet the statistical confidence thresholds required to predict the impact of this variant on TRAF3IP1 protein function. In summary, the available evidence is currently insufficient to determine the role of this variant in disease. Therefore, it has been classified as a Variant of Uncertain Significance.

Blueprint Genetics
Classification: Uncertain significance. Last evaluated: 2024-07-31. Review status: criteria provided, single submitter. Criteria: ACMG Guidelines, 2015. Collection method: clinical testing. Allele origin: germline.

NM_015650.4(IFT54):c.952G>A (p.Asp318Asn)

Gene: IFT54 (intraflagellar transport 54; plus strand). Cytogenetic location: 2q37.3.
Variant type: single nucleotide variant.
Coding change: c.952G>A on transcript NM_015650.4 (MANE Select); coding-DNA position 952, G replaced by A.
Protein change: p.Asp318Asn; replaces aspartic acid 318 with asparagine.
Molecular consequence: missense variant.
Genome position (GRCh38, 1-based): chr2:238,332,860, G>A. VCF-style: chr2-238332860-G-A. GRCh37 (hg19) VCF-style: chr2-239241501-G-A.
Other names: c.952G>A, p.Asp318Asn (NM_001139490.1); short protein forms D318N.
Identifiers: ClinVar variation 960190 (VCV000960190.8), dbSNP rs201289716, ClinGen allele CA2198202.
Genomic context (GRCh38, chr2:238,332,860, plus strand): 5'-TTGAATTTTTTTTTTTTTTAATAGTCAGCAAGCTCAGGGGAGATGTCTAAAAAGTTATCA[G>A]ATGGAACTTTTAAAGACTCCAAGGCTGAAACAGAGGTAAACTTTAAAAAATAACTTTTAA-3'
Protein context (NP_056465.2, residues 308-328): SSGEMSKKLS[Asp318Asn]GTFKDSKAET